The following is an entry in ClinVar:

NM_001367498.1(CNTNAP5):c.3559G>A (p.Ala1187Thr)

Gene: CNTNAP5 (contactin associated protein family member 5; plus strand). Cytogenetic location: 2q14.3.
Variant type: single nucleotide variant.
Coding change: c.3559G>A on transcript NM_001367498.1 (MANE Select); coding-DNA position 3559, G replaced by A.
Protein change: p.Ala1187Thr; replaces alanine 1187 with threonine.
Molecular consequence: missense variant.
Genome position (GRCh38, 1-based): chr2:124,903,004, G>A. VCF-style: chr2-124903004-G-A. GRCh37 (hg19) VCF-style: chr2-125660581-G-A.
Other names: c.3556G>A, p.Ala1186Thr (NM_130773.4); short protein forms A1187T, A1186T.
Identifiers: ClinVar variation 781947 (VCV000781947.7), dbSNP rs114400050, ClinGen allele CA1856468.
Genomic context (GRCh38, chr2:124,903,004, plus strand): 5'-TCTTCCGTCCAGTACAACCACATAGCACCACTGAAGGCTGCCCTGCGCCATGCCACTGTC[G>A]CGCCTGTGACTGTCCATGGGACCTTGACGGAATCCAGCTGTGGCTTCATGGTGGACTCAG-3'
Protein context (NP_001354427.1, residues 1177-1197): LKAALRHATV[Ala1187Thr]PVTVHGTLTE

ClinVar aggregate classification (germline): Benign. Review status: criteria provided, multiple submitters, no conflicts (2 of 4 stars). 3 submissions from 3 submitters: Benign (2). 1 of the submissions does not count toward it. Last evaluated 2019-12-31.

Conditions:
CNTNAP5-related disorder. Also called: CNTNAP5-related condition.

Allele frequency attached by ClinVar (database versions not stated): ESP Exome Variant Server 0.01010; gnomAD exomes 0.00087 and 0.00231; ExAC 0.00332; gnomAD 0.00893 and 0.00969; 1000 Genomes Project 0.00519; 1000 Genomes Project 30x 0.00609; TOPMed 0.01006.
gnomAD v4.1: 2,666 of 1,611,760 alleles (0.17%); highest among the groups gnomAD compares: African/African-American, 3.1%; 36 homozygotes.

Submissions (3):

Labcorp Genetics (formerly Invitae), Labcorp
Classification: Benign. Last evaluated: 2019-12-31. Review status: criteria provided, single submitter. Criteria: Invitae Variant Classification Sherloc (09022015). Collection method: clinical testing. Allele origin: germline.

Breakthrough Genomics
Classification: Benign. Review status: criteria provided, single submitter. Criteria: ACMG Guidelines, 2015. Collection method: not provided. Allele origin: germline. Inheritance: Unknown mechanism. Affected: yes.

PreventionGenetics, part of Exact Sciences
Classification: Benign for CNTNAP5-related condition. Last evaluated: 2019-03-25. Review status: no assertion criteria provided. Collection method: clinical testing. Allele origin: germline. Not counted in ClinVar's aggregate classification.
Comment: This variant is classified as benign based on ACMG/AMP sequence variant interpretation guidelines (Richards et al. 2015 PMID: 25741868, with internal and published modifications).